The following is an entry in ClinVar:

ClinVar aggregate classification (germline): Uncertain significance (1 of 4 stars; one submission).

Conditions:
Combined immunodeficiency due to OX40 deficiency. Also called: OX40 DEFICIENCY; Immunodeficiency 16. Identifiers: Orphanet 431149, MedGen C3810053, MONDO:0014268, OMIM 615593.

Allele frequency attached by ClinVar (database versions not stated): gnomAD 0.00001.
gnomAD v4.1: 15 of 1,572,576 alleles (0.00095%); highest among the groups gnomAD compares: Admixed American, 0.0018%; no homozygotes.

Submission:

Labcorp Genetics (formerly Invitae), Labcorp
Classification: Uncertain significance for Combined immunodeficiency due to OX40 deficiency. Last evaluated: 2026-02-01. Review status: criteria provided, single submitter. Criteria: Invitae Variant Classification Sherloc (09022015). Collection method: clinical testing. Allele origin: germline.
Comment: This sequence change replaces glycine, which is neutral and non-polar, with arginine, which is basic and polar, at codon 131 of the TNFRSF4 protein (p.Gly131Arg). This variant is present in population databases (rs771330950, gnomAD 0.003%). This variant has not been reported in the literature in individuals affected with TNFRSF4-related conditions. ClinVar contains an entry for this variant (Variation ID: 1463323). Invitae Evidence Modeling of protein sequence and biophysical properties (such as structural, functional, and spatial information, amino acid conservation, physicochemical variation, residue mobility, and thermodynamic stability) indicates that this missense variant is not expected to disrupt TNFRSF4 protein function with a negative predictive value of 80%. In summary, the available evidence is currently insufficient to determine the role of this variant in disease. Therefore, it has been classified as a Variant of Uncertain Significance.

NM_003327.4(TNFRSF4):c.391G>C (p.Gly131Arg)

Gene: TNFRSF4 (TNF receptor superfamily member 4; minus strand). Cytogenetic location: 1p36.33.
Variant type: single nucleotide variant.
Coding change: c.391G>C on transcript NM_003327.4 (MANE Select); coding-DNA position 391, G replaced by C.
Protein change: p.Gly131Arg; replaces glycine 131 with arginine.
Molecular consequence: missense variant.
Genome position (GRCh38, 1-based): chr1:1,212,684, C>G on the plus strand (G>C on the coding strand, the complement: TNFRSF4 is on the minus strand). VCF-style: chr1-1212684-C-G. GRCh37 (hg19) VCF-style: chr1-1148064-C-G.
Other names: short protein forms G131R.
Identifiers: ClinVar variation 1463323 (VCV001463323.6), dbSNP rs771330950, ClinGen allele CA512493.
Genomic context (GRCh38, chr1:1,212,684, plus strand): 5'-GCCAGGCCCCTCACTTGGTCCAGGGCTTGCAGGCCTGGTTGTCGCCTGGGGAGAAGTGCC[C>G]TGGAGGGCAGGGGGCACAGTCTGCAACAAAGATAGGGTGGTCAGGGGCTGCCCACAGGCC-3'
Protein context (NP_003318.1, residues 121-141): PGVDCAPCPP[Gly131Arg]HFSPGDNQAC